The following is an entry in ClinVar:

ClinVar aggregate classification (germline): Uncertain significance (1 of 4 stars; one submission).

Conditions:
Hereditary cancer-predisposing syndrome. Also called: Tumor predisposition; Neoplastic Syndromes, Hereditary; Hereditary neoplastic syndrome; Hereditary Cancer Syndrome. Identifiers: Orphanet 140162, MedGen C0027672, MeSH D009386, MONDO:0015356.

gnomAD v4.1: 1 of 1,614,112 alleles (0.000062%); highest among the groups gnomAD compares: African/African-American, 0.0013%; no homozygotes.

Submission:

Ambry Genetics
Classification: Uncertain significance for Hereditary cancer-predisposing syndrome. Last evaluated: 2025-08-27. Review status: criteria provided, single submitter. Criteria: Ambry Variant Classification Scheme 2023. Collection method: clinical testing. Allele origin: germline.
Comment: The p.P48A variant (also known as c.142C>G), located in coding exon 2 of the MUTYH gene, results from a C to G substitution at nucleotide position 142. The proline at codon 48 is replaced by alanine, an amino acid with highly similar properties. This amino acid position is conserved. In addition, this alteration is predicted to be tolerated by in silico analysis. Based on the available evidence, the clinical significance of this variant remains unclear.

NM_001048174.2(MUTYH):c.100C>G (p.Pro34Ala)

Gene: MUTYH (mutY DNA glycosylase; minus strand). Cytogenetic location: 1p34.1.
Variant type: single nucleotide variant.
Coding change: c.100C>G on transcript NM_001048174.2 (MANE Select); coding-DNA position 100, C replaced by G.
Protein change: p.Pro34Ala; replaces proline 34 with alanine.
Molecular consequence: missense variant. On other transcripts: 5 prime UTR variant (7), non-coding transcript variant (7).
Genome position (GRCh38, 1-based): chr1:45,334,406, G>C on the plus strand (C>G on the coding strand, the complement: MUTYH is on the minus strand). VCF-style: chr1-45334406-G-C. GRCh37 (hg19) VCF-style: chr1-45800078-G-C.
Other names: c.100C>G, p.Pro34Ala (NM_001048171.2, NM_001048172.2, NM_001048173.2 and 15 more transcripts); c.142C>G, p.Pro48Ala (NM_001128425.2, NM_001293190.2, NM_001407069.1 and 2 more transcripts); c.-113C>G (NM_001293192.2, NM_001293196.2, NM_001407091.1); c.-172C>G (NM_001350650.2); c.-108C>G (NM_001350651.2, NM_001407082.1); c.-57C>G (NM_001407075.1); c.118C>G, p.Pro40Ala (NM_001407087.1); short protein forms P40A, P34A, P48A.
Identifiers: ClinVar variation 4113235 (VCV004113235.1).